The following is an entry in ClinVar:

ClinVar aggregate classification (germline): Pathogenic (1 of 4 stars; one submission).

Allele frequency attached by ClinVar (database versions not stated): gnomAD exomes below 0.00001; gnomAD 0.00001.

Submission:

Labcorp Genetics (formerly Invitae), Labcorp
Classification: Pathogenic. Last evaluated: 2021-01-01. Review status: criteria provided, single submitter. Criteria: Invitae Variant Classification Sherloc (09022015). Collection method: clinical testing. Allele origin: germline.
Comment: For these reasons, this variant has been classified as Pathogenic. This variant has not been reported in the literature in individuals with NBEAL2-related conditions. This variant is not present in population databases (ExAC no frequency). This sequence change creates a premature translational stop signal (p.Arg127*) in the NBEAL2 gene. It is expected to result in an absent or disrupted protein product. Loss-of-function variants in NBEAL2 are known to be pathogenic (PMID: 21765412, 23100277).

Literature cited by the submitters: PubMed 21765412; PubMed 23100277.

NM_015175.3(NBEAL2):c.379C>T (p.Arg127Ter)

Gene: NBEAL2 (neurobeachin like 2; plus strand). Cytogenetic location: 3p21.31.
Variant type: single nucleotide variant.
Coding change: c.379C>T on transcript NM_015175.3 (MANE Select); coding-DNA position 379, C replaced by T.
Protein change: p.Arg127Ter; replaces arginine 127 with a stop codon.
Molecular consequence: nonsense.
Genome position (GRCh38, 1-based): chr3:46,989,287, C>T. VCF-style: chr3-46989287-C-T. GRCh37 (hg19) VCF-style: chr3-47030777-C-T.
Other names: c.358C>T, p.Arg120Ter (NM_001365116.2); short protein forms R120*, R127*.
Identifiers: ClinVar variation 1391899 (VCV001391899.6), dbSNP rs1283560494, ClinGen allele CA352505004.
Genomic context (GRCh38, chr3:46,989,287, plus strand): 5'-GGCGGGGCTAACCCTCTCTCCCCACACCTACAGCTGAAAGGATGCCCACCACCCCAGGGC[C>T]GAGGCACGCAGTTGGAGAATGTGGCCCTACATGCTCTGCTTCTCTGCGAGGGCCTCTTTG-3'